The following is an entry in ClinVar:

ClinVar aggregate classification (germline): Uncertain significance (1 of 4 stars; one submission).

Conditions:
Hereditary cancer-predisposing syndrome. Also called: Tumor predisposition; Neoplastic Syndromes, Hereditary; Hereditary Cancer Syndrome; Hereditary neoplastic syndrome. Identifiers: Orphanet 140162, MedGen C0027672, MeSH D009386, MONDO:0015356.

Submission:

Ambry Genetics
Classification: Uncertain significance for Hereditary cancer-predisposing syndrome. Last evaluated: 2024-07-03. Review status: criteria provided, single submitter. Criteria: Ambry Variant Classification Scheme 2023. Collection method: clinical testing. Allele origin: germline.
Comment: The p.S470I variant (also known as c.1409G>T), located in coding exon 9 of the BRCA1 gene, results from a G to T substitution at nucleotide position 1409. The serine at codon 470 is replaced by isoleucine, an amino acid with dissimilar properties. This amino acid position is not well conserved in available vertebrate species. In addition, this alteration is predicted to be deleterious by in silico analysis. Based on the available evidence, the clinical significance of this variant remains unclear.

NM_007294.4(BRCA1):c.1409G>T (p.Ser470Ile)

Gene: BRCA1 (BRCA1 DNA repair associated; minus strand). Cytogenetic location: 17q21.31.
Variant type: single nucleotide variant.
Coding change: c.1409G>T on transcript NM_007294.4 (MANE Select); coding-DNA position 1409, G replaced by T.
Protein change: p.Ser470Ile; replaces serine 470 with isoleucine.
Molecular consequence: missense variant. On other transcripts: intron variant (137).
Genome position (GRCh38, 1-based): chr17:43,094,122, C>A on the plus strand (G>T on the coding strand, the complement: BRCA1 is on the minus strand). VCF-style: chr17-43094122-C-A. GRCh37 (hg19) VCF-style: chr17-41246139-C-A.
Other names: c.451+622G>T (NM_001408509.1, NM_001408508.1); c.574+622G>T (NM_001408491.1, NM_001408493.1, NM_001408490.1); c.460+1724G>T (NM_001408506.1, NM_001408507.1); c.577+622G>T (NM_001408481.1, NM_001408480.1, NM_001408492.1 and 9 more transcripts); c.661+622G>T (NM_001408446.1, NM_001408435.1, NM_001408448.1 and 6 more transcripts); c.778+622G>T (NM_001408408.1); c.784+622G>T (NM_001408401.1, NM_001408396.1, NM_001408397.1 and 13 more transcripts); c.1196G>T, p.Ser399Ile (NM_001407571.1, NM_001407853.1, NM_001407894.1 and 9 more transcripts); and 40 more; short protein forms S174I, S359I, S399I, S400I, S402I, S423I, S469I, S470I.
Identifiers: ClinVar variation 3481769 (VCV003481769.1).
Genomic context (GRCh38, chr17:43,094,122, plus strand): 5'-GGCTCAGTAACAAATGCTCCTATAATTAGATTTTCAGTTACATGGCTTAAGTTGGGGAGG[C>A]TTGCCTTCTTCCGATAGGTTTTCCCAAATATTTTGTCTTCAATATTACTCTCTACTGATT-3'
Protein context (NP_009225.1, residues 460-480): IFGKTYRKKA[Ser470Ile]LPNLSHVTEN